The following is an entry in ClinVar:

ClinVar aggregate classification (germline): Uncertain significance (1 of 4 stars; one submission).

Conditions:
Autoimmune interstitial lung disease-arthritis syndrome. Also called: Autoinflammation and autoimmunity, systemic, with immune dysregulation. Identifiers: Orphanet 444092, MedGen C5975714, MONDO:0014629.

gnomAD v4.1: 2 of 1,609,748 alleles (0.00012%); highest among the groups gnomAD compares: African/African-American, 0.0027%; no homozygotes.

Submission:

Labcorp Genetics (formerly Invitae), Labcorp
Classification: Uncertain significance for Autoimmune interstitial lung disease-arthritis syndrome. Last evaluated: 2024-02-17. Review status: criteria provided, single submitter. Criteria: Invitae Variant Classification Sherloc (09022015). Collection method: clinical testing. Allele origin: germline.
Comment: This sequence change falls in intron 11 of the COPA gene. It does not directly change the encoded amino acid sequence of the COPA protein. It affects a nucleotide within the consensus splice site. This variant is not present in population databases (gnomAD no frequency). This variant has not been reported in the literature in individuals affected with COPA-related conditions. Variants that disrupt the consensus splice site are a relatively common cause of aberrant splicing (PMID: 17576681, 9536098). Algorithms developed to predict the effect of sequence changes on RNA splicing suggest that this variant is not likely to affect RNA splicing. In summary, the available evidence is currently insufficient to determine the role of this variant in disease. Therefore, it has been classified as a Variant of Uncertain Significance.

Literature cited by the submitters: PubMed 17576681; PubMed 9536098.

NM_004371.4(COPA):c.1076+4A>T

Gene: COPA (coat protein complex I subunit alpha; minus strand). Cytogenetic location: 1q23.2.
Variant type: single nucleotide variant.
Coding change: c.1076+4A>T on transcript NM_004371.4 (MANE Select); 4 bases into the intron after coding-DNA position 1076, A replaced by T.
Molecular consequence: intron variant.
Genome position (GRCh38, 1-based): chr1:160,311,864, T>A on the plus strand (A>T on the coding strand, the complement: COPA is on the minus strand). VCF-style: chr1-160311864-T-A. GRCh37 (hg19) VCF-style: chr1-160281654-T-A.
Other names: c.1076+4A>T (NM_001098398.2).
Identifiers: ClinVar variation 3668815 (VCV003668815.2).
Genomic context (GRCh38, chr1:160,311,864, plus strand): 5'-TTGTGGGAGTTGTATCAGGGTGACAGATGAGAGGGTTTGGAGGAAAGAAACAAGTCCGAT[T>A]TACCTCCGCAACTGCATCACAGCTACATCTTTGGAGCTGTTGAAATCCAGCTGTCGTAAG-3'